The following is an entry in ClinVar:

NM_001042492.3(NF1):c.3809_3838del (p.Ser1270_Ser1279del)

Gene: NF1 (neurofibromin 1; plus strand). Cytogenetic location: 17q11.2.
Variant type: Deletion.
Coding change: c.3809_3838del on transcript NM_001042492.3 (MANE Select); coding-DNA positions 3809 to 3838, 30 bases deleted (CCATGCAGACTCTCTTCCGAGGCAACAGCT).
Protein change: p.Ser1270_Ser1279del.
Molecular consequence: inframe deletion. On other transcripts: inframe indel (1).
Genome position (GRCh38, 1-based): chr17:31,235,711-31,235,740, CCATGCAGACTCTCTTCCGAGGCAACAGCT deleted; deleting any 30 consecutive bases within chr17:31,235,709-31,235,740 gives the same sequence; the c. name uses the placement nearest the transcript's 3' end. VCF-style (leftmost placement, unchanged base first): chr17-31235708-ACTCCATGCAGACTCTCTTCCGAGGCAACAG-A. GRCh37 (hg19) VCF-style: chr17-29562726-ACTCCATGCAGACTCTCTTCCGAGGCAACAG-A.
Other names: c.3809_3838del30, p.Ser1270_Ser1279del (NM_000267.4).
Identifiers: ClinVar variation 1485454 (VCV001485454.6), dbSNP rs2151437941, ClinGen allele CA2573153382.

ClinVar aggregate classification (germline): Pathogenic (1 of 4 stars; one submission).

Conditions:
Neurofibromatosis, type 1 (NF1). Also called: NEUROFIBROMATOSIS, TYPE I, SOMATIC; Neurofibromatosis, type I; VON RECKLINGHAUSEN DISEASE; Peripheral type neurofibromatosis. Identifiers: Orphanet 636, MedGen C0027831, MONDO:0018975, OMIM 162200. Disease mechanism: loss of function.

Submission:

Labcorp Genetics (formerly Invitae), Labcorp
Classification: Pathogenic for Neurofibromatosis, type 1. Last evaluated: 2023-10-03. Review status: criteria provided, single submitter. Criteria: Invitae Variant Classification Sherloc (09022015). Collection method: clinical testing. Allele origin: germline.
Comment: This variant, c.3809_3838del, results in the deletion of 10 amino acid(s) of the NF1 protein (p.Ser1270_Ser1279del), but otherwise preserves the integrity of the reading frame. This variant is not present in population databases (gnomAD no frequency). This variant has been observed in individual(s) with neurofibromatosis type 1 (Invitae). ClinVar contains an entry for this variant (Variation ID: 1485454). This variant disrupts a region of the NF1 protein in which other variant(s) (p.Arg1276Gly) have been determined to be pathogenic (PMID: 8628317, 15060124, 31595648). This suggests that this is a clinically significant region of the protein, and that variants that disrupt it are likely to be disease-causing. For these reasons, this variant has been classified as Pathogenic.

Literature cited by the submitters: PubMed 8628317; PubMed 15060124; PubMed 31595648.